The following is an entry in ClinVar:

NM_001365951.3(KIF1B):c.4966C>T (p.Arg1656Trp)

Gene: KIF1B (kinesin family member 1B; plus strand). Cytogenetic location: 1p36.22.
Variant type: single nucleotide variant.
Coding change: c.4966C>T on transcript NM_001365951.3 (MANE Select); coding-DNA position 4966, C replaced by T.
Protein change: p.Arg1656Trp; replaces arginine 1656 with tryptophan.
Molecular consequence: missense variant.
Genome position (GRCh38, 1-based): chr1:10,374,335, C>T. VCF-style: chr1-10374335-C-T. GRCh37 (hg19) VCF-style: chr1-10434393-C-T.
Other names: c.4966C>T, p.Arg1656Trp (NM_001365952.1); c.4828C>T, p.Arg1610Trp (NM_015074.3); short protein forms R1610W, R1656W.
Identifiers: ClinVar variation 917338 (VCV000917338.14), dbSNP rs758454220, ClinGen allele CA582237.
Genomic context (GRCh38, chr1:10,374,335, plus strand): 5'-TCTCTTGTTACCCTTTTCTTTCTAATCTCTCTATTTTAAAGGACCCCAGAAGCCAATTCC[C>T]GGGCCTCTAGTCCCTGCCCAGAATTTGAACAGTTTCAGATTGTCCCAGCTGTGGAAACAC-3'
Protein context (NP_001352880.1, residues 1646-1666): LDQKTPEANS[Arg1656Trp]ASSPCPEFEQ

ClinVar aggregate classification (germline): Uncertain significance. Review status: criteria provided, multiple submitters, no conflicts (2 of 4 stars). 5 submissions from 5 submitters: Uncertain significance (4). 1 of the submissions does not count toward it. Last evaluated 2026-01-19.

Conditions:
Meniere disease. Also called: Ménière's disease. Identifiers: MedGen C0025281, MONDO:0007972, OMIM 156000.
Charcot-Marie-Tooth disease type 2. Also called: Charcot-Marie-Tooth type 2. Identifiers: Orphanet 64746, MedGen C0270914, MONDO:0018993.
Charcot-Marie-Tooth disease. Also called: Charcot-Marie-Tooth Neuropathy; Charcot-Marie-Tooth Hereditary Neuropathy. Identifiers: Orphanet 166, MedGen C0007959, MONDO:0015626.

Allele frequency attached by ClinVar (database versions not stated): gnomAD 0.00001; gnomAD exomes 0.00002 and 0.00003; TOPMed 0.00002; ExAC 0.00004.
gnomAD v4.1: 49 of 1,614,030 alleles (0.003%); highest among the groups gnomAD compares: East Asian, 0.0045%; no homozygotes.

Submissions (5):

Labcorp Genetics (formerly Invitae), Labcorp
Classification: Uncertain significance for Charcot-Marie-Tooth disease type 2. Last evaluated: 2026-01-19. Review status: criteria provided, single submitter. Criteria: Invitae Variant Classification Sherloc (09022015). Collection method: clinical testing. Allele origin: germline.
Comment: This sequence change replaces arginine, which is basic and polar, with tryptophan, which is neutral and slightly polar, at codon 1610 of the KIF1B protein (p.Arg1610Trp). This variant is present in population databases (rs758454220, gnomAD 0.004%). This missense change has been observed in individual(s) with Charcot-Marie-Tooth disease (PMID: 32376792). ClinVar contains an entry for this variant (Variation ID: 917338). An algorithm developed to predict the effect of missense changes on protein structure and function (PolyPhen-2) suggests that this variant is likely to be disruptive. In summary, the available evidence is currently insufficient to determine the role of this variant in disease. Therefore, it has been classified as a Variant of Uncertain Significance.

Ambry Genetics
Classification: Uncertain significance. Last evaluated: 2025-06-15. Review status: criteria provided, single submitter. Criteria: Ambry Variant Classification Scheme 2023. Collection method: clinical testing. Allele origin: germline.
Comment: The p.R1610W variant (also known as c.4828C>T), located in coding exon 43 of the KIF1B gene, results from a C to T substitution at nucleotide position 4828. The arginine at codon 1610 is replaced by tryptophan, an amino acid with dissimilar properties. This amino acid position is well conserved in available vertebrate species. In addition, this alteration is predicted to be tolerated by in silico analysis. Since supporting evidence is limited at this time, the clinical significance of this alteration remains unclear.

Blueprint Genetics
Classification: Uncertain significance. Last evaluated: 2024-06-21. Review status: criteria provided, single submitter. Criteria: ACMG Guidelines, 2015. Collection method: clinical testing. Allele origin: germline.

Molecular Genetics Laboratory, London Health Sciences Centre
Classification: Uncertain significance for Charcot-Marie-Tooth disease. Review status: criteria provided, single submitter. Criteria: ACMG Guidelines, 2015. Collection method: clinical testing. Allele origin: germline. Affected: yes.

Meniere Disease Neuroscience Research Program, Faculty of Medicine and Health, Kolling Institute, The University of Sydney
Classification: Uncertain significance for Meniere disease. Review status: no assertion criteria provided. Collection method: clinical testing. Allele origin: germline. Affected: yes. Observed: 3 variant alleles. Not counted in ClinVar's aggregate classification.
Comment: The NM_001365951.3:c.4966C>T is a missense variant in the KIF1B gene that has been found in three unrelated, definite Menière's Disease individuals. This variant has an amino acid change at p.R1656W. This variant may influence splicing processes through the simultaneous creation and elimination of exonic splicing enhancers and silencers, potentially altering exon recognition patterns. In silico analysis using pathogenicity prediction algorithms such as the CADD score (28.1), pLI score (4.31), PolyPhen2 score (0.996) have deemed the varaint as "Likely Pathogenic", but experimental evidence is laking. RNAseq data from an individual carrying this varianthad, had transcript ENST00000622724.3 present, but was absent in controls. For the reasons above we have classified this variant as "Uncertain Significance" as the available evidence is insufficient to definitively ascertain its impact in Menière's Disease.

Literature cited by the submitters: PubMed 32376792 (cited by Labcorp Genetics (formerly Invitae), Labcorp).